The following is an entry in ClinVar:

NM_177402.5(SYT2):c.614A>G (p.Asn205Ser)

Gene: SYT2 (synaptotagmin 2; minus strand). Cytogenetic location: 1q32.1.
Variant type: single nucleotide variant.
Coding change: c.614A>G on transcript NM_177402.5 (MANE Select); coding-DNA position 614, A replaced by G.
Protein change: p.Asn205Ser; replaces asparagine 205 with serine.
Molecular consequence: missense variant.
Genome position (GRCh38, 1-based): chr1:202,602,397, T>C on the plus strand (A>G on the coding strand, the complement: SYT2 is on the minus strand). VCF-style: chr1-202602397-T-C. GRCh37 (hg19) VCF-style: chr1-202571525-T-C.
Other names: c.614A>G, p.Asn205Ser (NM_001136504.1); short protein forms N205S.
Identifiers: ClinVar variation 2168598 (VCV002168598.4), dbSNP rs757635183, ClinGen allele CA1333732.
Genomic context (GRCh38, chr1:202,602,397, plus strand): 5'-ATCAGGCAGGGAGCTGGAGTCACCCTTCCAGCCCTCAGCACCTTGAAGGTGAAGGTTTCA[T>C]TGAAGGCAGGGTTCAGTGTCTTCCGATGGACTTTGGTCTCATATTTCTTCTTCTTGTCAG-3'
Protein context (NP_796376.2, residues 195-215): VHRKTLNPAF[Asn205Ser]ETFTFKVPYQ

ClinVar aggregate classification (germline): Uncertain significance (1 of 4 stars; one submission).

Allele frequency attached by ClinVar (database versions not stated): TOPMed below 0.00001; ExAC 0.00001; gnomAD exomes 0.00001.
gnomAD v4.1: 5 of 1,614,086 alleles (0.00031%); highest among the groups gnomAD compares: Admixed American, 0.0083%; no homozygotes.

Submission:

Labcorp Genetics (formerly Invitae), Labcorp
Classification: Uncertain significance. Last evaluated: 2021-12-14. Review status: criteria provided, single submitter. Criteria: Invitae Variant Classification Sherloc (09022015). Collection method: clinical testing. Allele origin: germline.
Comment: Algorithms developed to predict the effect of sequence changes on RNA splicing suggest that this variant may create or strengthen a splice site. In summary, the available evidence is currently insufficient to determine the role of this variant in disease. Therefore, it has been classified as a Variant of Uncertain Significance. Algorithms developed to predict the effect of missense changes on protein structure and function (SIFT, PolyPhen-2, Align-GVGD) all suggest that this variant is likely to be disruptive. This sequence change replaces asparagine, which is neutral and polar, with serine, which is neutral and polar, at codon 205 of the SYT2 protein (p.Asn205Ser). This variant is present in population databases (rs757635183, gnomAD 0.01%). This variant has not been reported in the literature in individuals affected with SYT2-related conditions.